The following is an entry in ClinVar:

ClinVar aggregate classification (germline): Uncertain significance (1 of 4 stars; one submission).

Conditions:
Cardiovascular phenotype. Identifiers: MedGen CN230736.

Allele frequency attached by ClinVar (database versions not stated): TOPMed below 0.00001; gnomAD 0.00001.
gnomAD v4.1: 1 of 1,613,584 alleles (0.000062%); highest among the groups gnomAD compares: African/African-American, 0.0013%; no homozygotes.

Submission:

Ambry Genetics
Classification: Uncertain significance for Cardiovascular phenotype. Last evaluated: 2022-10-07. Review status: criteria provided, single submitter. Criteria: Ambry Variant Classification Scheme 2023. Collection method: clinical testing. Allele origin: germline.
Comment: The p.E2478K variant (also known as c.7432G>A), located in coding exon 31 of the AKAP9 gene, results from a G to A substitution at nucleotide position 7432. The glutamic acid at codon 2478 is replaced by lysine, an amino acid with similar properties. This amino acid position is conserved. In addition, this alteration is predicted to be tolerated by in silico analysis. Since supporting evidence is limited at this time, the clinical significance of this alteration remains unclear.

NM_005751.5(AKAP9):c.7432G>A (p.Glu2478Lys)

Gene: AKAP9 (A-kinase anchoring protein 9; plus strand). Cytogenetic location: 7q21.2.
Variant type: single nucleotide variant.
Coding change: c.7432G>A on transcript NM_005751.5 (MANE Select); coding-DNA position 7432, G replaced by A.
Protein change: p.Glu2478Lys; replaces glutamic acid 2478 with lysine.
Molecular consequence: missense variant.
Genome position (GRCh38, 1-based): chr7:92,079,565, G>A. VCF-style: chr7-92079565-G-A. GRCh37 (hg19) VCF-style: chr7-91708879-G-A.
Other names: c.2077G>A, p.Glu693Lys (NM_001379277.1); c.7408G>A, p.Glu2470Lys (NM_147185.3); short protein forms E2470K, E2478K, E693K.
Identifiers: ClinVar variation 1758894 (VCV001758894.2), dbSNP rs1813175806, ClinGen allele CA368135717.
Genomic context (GRCh38, chr7:92,079,565, plus strand): 5'-CTGAGCAAAGACAAACCTGAACTAGAAGTAGTCCTTACAGAGGATGCTCTTAAATCCCTA[G>A]AAAATCAGACATACTTCAAATCTTTTGAAGAAAATGGCAAAGGTTCCATAATTAATTTGG-3'
Protein context (NP_005742.4, residues 2468-2488): VLTEDALKSL[Glu2478Lys]NQTYFKSFEE